The following is an entry in ClinVar:

ClinVar aggregate classification (germline): Conflicting classifications of pathogenicity. Review status: criteria provided, conflicting classifications (1 of 4 stars). 3 submissions from 2 submitters: Uncertain significance (2); Likely benign (1). Last evaluated 2024-11-21.

Conditions:
Transitory neonatal diabetes mellitus. Also called: Transient neonatal diabetes mellitus. Identifiers: MedGen C0342273, MONDO:0020525, HP:0008255.
Maturity-onset diabetes of the young (MODY). Also called: Maturity onset diabetes mellitus in young. Identifiers: Orphanet 552, MedGen C0342276, MONDO:0018911, HP:0004904.

Allele frequency attached by ClinVar (database versions not stated): gnomAD exomes below 0.00001 and 0.00002.
gnomAD v4.1: 8 of 1,552,926 alleles (0.00052%); highest among the groups gnomAD compares: East Asian, 0.012%; no homozygotes.

Submissions (3):

Labcorp Genetics (formerly Invitae), Labcorp
Classification: Likely benign. Last evaluated: 2024-11-21. Review status: criteria provided, single submitter. Criteria: Invitae Variant Classification Sherloc (09022015). Collection method: clinical testing. Allele origin: germline.

Clinical Genomics, Uppaluri K&H Personalized Medicine Clinic
Classification: Uncertain significance for Transitory neonatal diabetes mellitus. Review status: criteria provided, single submitter. Criteria: K & H Uppaluri Personalized Medicine Clinic Variant Classification & Assertion Criteria_Updated V.1. Collection method: research. Allele origin: unknown. Inheritance: Somatic mutation.
Comment: Mutations in ABCC8 gene are associated with both neonatal diabetes mellitus as well as MODY. Patients with this mutation may have a better response to sulfonylureas. However, no sufficient evidence is found to ascertain the role of this particular variant (rs1287759139) in neonatal diabetes yet.

Clinical Genomics, Uppaluri K&H Personalized Medicine Clinic
Classification: Uncertain significance for Maturity-onset diabetes of the young. Review status: criteria provided, single submitter. Criteria: K & H Uppaluri Personalized Medicine Clinic Variant Classification & Assertion Criteria_Updated V.1. Collection method: research. Allele origin: unknown. Inheritance: Somatic mutation.
Comment: Mutations in ABCC8 gene are associated with both neonatal diabetes mellitus as well as MODY. Patients with this mutation may have a better response to sulfonylureas. However, no sufficient evidence is found to ascertain the role of this particular variant (rs1287759139) in MODY yet.

Literature cited by the submitters: PubMed 16885549 (cited by Clinical Genomics, Uppaluri K&H Personalized Medicine Clinic); PubMed 21989597 (cited by Clinical Genomics, Uppaluri K&H Personalized Medicine Clinic); PubMed 27538677 (cited by Clinical Genomics, Uppaluri K&H Personalized Medicine Clinic); PubMed 18981553 (cited by Clinical Genomics, Uppaluri K&H Personalized Medicine Clinic); PubMed 32027066 (cited by Clinical Genomics, Uppaluri K&H Personalized Medicine Clinic); PubMed 16613899 (cited by Clinical Genomics, Uppaluri K&H Personalized Medicine Clinic); PubMed 18025408 (cited by Clinical Genomics, Uppaluri K&H Personalized Medicine Clinic); PubMed 32792356 (cited by Clinical Genomics, Uppaluri K&H Personalized Medicine Clinic).

NM_000352.6(ABCC8):c.1668C>T (p.Leu556=)

Gene: ABCC8 (ATP binding cassette subfamily C member 8; minus strand). Cytogenetic location: 11p15.1.
Variant type: single nucleotide variant.
Coding change: c.1668C>T on transcript NM_000352.6 (MANE Select); coding-DNA position 1668, C replaced by T.
Protein change: p.Leu556=; no amino-acid change (leucine 556 retained).
Molecular consequence: synonymous variant. On other transcripts: non-coding transcript variant (1).
Genome position (GRCh38, 1-based): chr11:17,432,207, G>A on the plus strand (C>T on the coding strand, the complement: ABCC8 is on the minus strand). VCF-style: chr11-17432207-G-A. GRCh37 (hg19) VCF-style: chr11-17453754-G-A.
Other names: c.1668C>T, p.Leu556= (NM_001287174.3, NM_001351295.2); c.1665C>T, p.Leu555= (NM_001351296.2, NM_001351297.2).
Identifiers: ClinVar variation 727590 (VCV000727590.9), dbSNP rs1287759139, ClinGen allele CA473302967.